The following is an entry in ClinVar:

ClinVar aggregate classification (germline): Benign (0 of 4 stars; one submission).

Conditions:
ART4-related disorder. Also called: ART4-related condition.

Allele frequency attached by ClinVar (database versions not stated): ESP Exome Variant Server 0.10372; gnomAD exomes 0.10645; gnomAD 0.12053; 1000 Genomes Project 0.12141; ExAC 0.12315; 1000 Genomes Project 30x 0.12523; TOPMed 0.12926.
gnomAD v4.1: 172,889 of 1,606,268 alleles (11%); highest among the groups gnomAD compares: Admixed American, 30%; 11,176 homozygotes.

Submission:

PreventionGenetics, part of Exact Sciences
Classification: Benign for ART4-related condition. Last evaluated: 2019-10-21. Review status: no assertion criteria provided. Collection method: clinical testing. Allele origin: germline.
Comment: This variant is classified as benign based on ACMG/AMP sequence variant interpretation guidelines (Richards et al. 2015 PMID: 25741868, with internal and published modifications).

NM_021071.4(ART4):c.898C>G (p.Leu300Val)

Gene: ART4 (ADP-ribosyltransferase 4 (inactive) (Dombrock blood group); minus strand). Cytogenetic location: 12p12.3.
Variant type: single nucleotide variant.
Coding change: c.898C>G on transcript NM_021071.4 (MANE Select); coding-DNA position 898, C replaced by G.
Protein change: p.Leu300Val; replaces leucine 300 with valine.
Molecular consequence: missense variant.
Genome position (GRCh38, 1-based): chr12:14,829,418, G>C on the plus strand (C>G on the coding strand, the complement: ART4 is on the minus strand). VCF-style: chr12-14829418-G-C. GRCh37 (hg19) VCF-style: chr12-14982352-G-C.
Other names: short protein forms L300V.
Identifiers: ClinVar variation 3060827 (VCV003060827.2), dbSNP rs3088190, ClinGen allele CA6464858.
Genomic context (GRCh38, chr12:14,829,418, plus strand): 5'-CCACAAGATTTCTTTATACTCTGCTTTTGGAAAAGATGATGACACTGGTCAAAAAGGAGA[G>C]AGATGCAATAGCTATAGGATCAGGGATGCATTTCTTGCTGGAAGCTGTAAAAAACAAAAC-3'
Protein context (NP_066549.2, residues 290-310): CIPDPIAIAS[Leu300Val]SFLTSVIIFS